The following is an entry in ClinVar:

ClinVar aggregate classification (germline): Likely benign. Review status: criteria provided, multiple submitters, no conflicts (2 of 4 stars). 3 submissions from 3 submitters: Likely benign (2). 1 of the submissions does not count toward it. Last evaluated 2019-12-31.

Conditions:
VANGL2-related disorder. Also called: VANGL2-related condition.

Allele frequency attached by ClinVar (database versions not stated): gnomAD exomes 0.00022 and 0.00033; ExAC 0.00037; ESP Exome Variant Server 0.00069; gnomAD 0.00098 and 0.00100; TOPMed 0.00111; 1000 Genomes Project 0.00180; 1000 Genomes Project 30x 0.00187.
gnomAD v4.1: 480 of 1,614,244 alleles (0.03%); highest among the groups gnomAD compares: Middle Eastern, 1.4%; 6 homozygotes.

Submissions (3):

Labcorp Genetics (formerly Invitae), Labcorp
Classification: Likely benign. Last evaluated: 2019-12-31. Review status: criteria provided, single submitter. Criteria: Invitae Variant Classification Sherloc (09022015). Collection method: clinical testing. Allele origin: germline.

Breakthrough Genomics
Classification: Likely benign. Review status: criteria provided, single submitter. Criteria: ACMG Guidelines, 2015. Collection method: not provided. Allele origin: germline. Inheritance: Autosomal dominant inheritance. Affected: yes.

PreventionGenetics, part of Exact Sciences
Classification: Likely benign for VANGL2-related condition. Last evaluated: 2019-06-27. Review status: no assertion criteria provided. Collection method: clinical testing. Allele origin: germline. Not counted in ClinVar's aggregate classification.
Comment: This variant is classified as likely benign based on ACMG/AMP sequence variant interpretation guidelines (Richards et al. 2015 PMID: 25741868, with internal and published modifications).

NM_020335.3(VANGL2):c.91C>T (p.Arg31Cys)

Gene: VANGL2 (VANGL planar cell polarity protein 2; plus strand). Cytogenetic location: 1q23.2.
Variant type: single nucleotide variant.
Coding change: c.91C>T on transcript NM_020335.3 (MANE Select); coding-DNA position 91, C replaced by T.
Protein change: p.Arg31Cys; replaces arginine 31 with cysteine.
Molecular consequence: missense variant.
Genome position (GRCh38, 1-based): chr1:160,416,081, C>T. VCF-style: chr1-160416081-C-T. GRCh37 (hg19) VCF-style: chr1-160385871-C-T.
Other names: short protein forms R31C.
Identifiers: ClinVar variation 708933 (VCV000708933.7), dbSNP rs141773637, ClinGen allele CA1199335.